The following is an entry in ClinVar:

NM_001267550.2(TTN):c.77412C>G (p.Phe25804Leu)

Genes: TTN (titin; minus strand), TTN-AS1 (TTN antisense RNA 1; plus strand). Cytogenetic location: 2q31.2.
Variant type: single nucleotide variant.
Coding change: c.77412C>G on transcript NM_001267550.2 (MANE Select); coding-DNA position 77412, C replaced by G.
Protein change: p.Phe25804Leu; replaces phenylalanine 25804 with leucine.
Molecular consequence: missense variant.
Genome position (GRCh38, 1-based): chr2:178,568,720, G>C on the plus strand (C>G on the coding strand, the complement: TTN is on the minus strand). VCF-style: chr2-178568720-G-C. GRCh37 (hg19) VCF-style: chr2-179433447-G-C.
Other names: c.72489C>G, p.Phe24163Leu (NM_001256850.1); c.50217C>G, p.Phe16739Leu (NM_003319.4); c.69708C>G, p.Phe23236Leu (NM_133378.4); c.50592C>G, p.Phe16864Leu (NM_133432.3); c.50793C>G, p.Phe16931Leu (NM_133437.4); c.77412C>G (NM_001267550.1); short protein forms F16739L, F24163L, F25804L, F16931L, F16864L, F23236L.
Identifiers: ClinVar variation 4795642 (VCV004795642.1), dbSNP rs536177370.

ClinVar aggregate classification (germline): Uncertain significance (1 of 4 stars; one submission).

Allele frequency attached by ClinVar (database versions not stated): gnomAD exomes 0.00001; ExAC 0.00002; 1000 Genomes Project 0.00020.
gnomAD v4.1: 7 of 1,613,244 alleles (0.00043%); highest among the groups gnomAD compares: South Asian, 0.0044%; no homozygotes.

Submission:

GeneDx
Classification: Uncertain significance. Last evaluated: 2025-08-13. Review status: criteria provided, single submitter. Criteria: GeneDx Variant Classification Process June 2021. Collection method: clinical testing. Allele origin: germline. Affected: yes.
Comment: Not observed at significant frequency in large population cohorts (gnomAD); Missense variant in a gene in which most reported pathogenic variants are truncating/loss of function; Has not been previously published as pathogenic or benign in association with a known TTN-related disorder to our knowledge